The following is an entry in ClinVar:

ClinVar aggregate classification (germline): Likely benign (1 of 4 stars; one submission).

Submission:

CeGaT Center for Human Genetics Tuebingen
Classification: Likely benign. Last evaluated: 2026-09-01. Review status: criteria provided, single submitter. Criteria: CeGaT Center For Human Genetics Tuebingen Variant Classification Criteria Version 2. Collection method: clinical testing. Allele origin: germline. Affected: yes. Observed: 1 variant allele.
Comment: CSNK2A1: PM2:Supporting, BP4, BP7

NM_177559.3(CSNK2A1):c.39A>G (p.Thr13=)

Gene: CSNK2A1 (casein kinase 2 alpha 1; minus strand). Cytogenetic location: 20p13.
Variant type: single nucleotide variant.
Coding change: c.39A>G on transcript NM_177559.3 (MANE Select); coding-DNA position 39, A replaced by G.
Protein change: p.Thr13=; no amino-acid change (threonine 13 retained).
Molecular consequence: synonymous variant. On other transcripts: intron variant (1).
Genome position (GRCh38, 1-based): chr20:508,513, T>C on the plus strand (A>G on the coding strand, the complement: CSNK2A1 is on the minus strand). VCF-style: chr20-508513-T-C. GRCh37 (hg19) VCF-style: chr20-489157-T-C.
Other names: c.39A>G, p.Thr13= (NM_001362770.2, NM_001362771.2, NM_001895.4); c.-307-3284A>G (NM_177560.3).
Identifiers: ClinVar variation 5041849 (VCV005041849.1).